The following is an entry in ClinVar:

NM_000133.4(F9):c.582T>G (p.Thr194=)

Gene: F9 (coagulation factor IX; plus strand). Cytogenetic location: Xq27.1.
Variant type: single nucleotide variant.
Coding change: c.582T>G on transcript NM_000133.4 (MANE Select); coding-DNA position 582, T replaced by G.
Protein change: p.Thr194=; no amino-acid change (threonine 194 retained).
Molecular consequence: synonymous variant.
Genome position (GRCh38, 1-based): chrX:139,551,123, T>G. VCF-style: chrX-139551123-T-G. GRCh37 (hg19) VCF-style: chrX-138633282-T-G.
Other names: NM_000133.4(F9):c.582T>G; p.Thr194=; c.468T>G, p.Thr156= (NM_001313913.2).
Identifiers: ClinVar variation 913851 (VCV000913851.19), dbSNP rs754155651, ClinGen allele CA10529812.

ClinVar aggregate classification (germline): Likely benign. Review status: reviewed by expert panel (3 of 4 stars). 5 submissions from 5 submitters: Likely benign (1). 4 of the submissions do not count toward it. Last evaluated 2024-10-16.

Conditions:
Hereditary factor IX deficiency disease (HEMB). Also called: Hemophilia B; Christmas Disease; F9 DEFICIENCY; FACTOR IX DEFICIENCY; PLASMA THROMBOPLASTIN COMPONENT DEFICIENCY. Identifiers: Orphanet 98879, MedGen C0008533, MeSH D002836, MONDO:0010604, OMIM 306900.
Thrombophilia, X-linked, due to factor 9 defect. Identifiers: MedGen C2749016, MONDO:0010432, OMIM 300807.

Allele frequency attached by ClinVar (database versions not stated): gnomAD 0.00004; TOPMed 0.00004; ExAC 0.00006.
gnomAD v4.1: 37 of 1,209,905 alleles (0.0031%); highest among the groups gnomAD compares: Non-Finnish European, 0.00045%; no homozygotes.

Submissions (5):

ClinGen Coagulation Factor Deficiency Variant Curation Expert Panel, Clingen
Classification: Likely benign for Hereditary factor IX deficiency disease. Last evaluated: 2024-10-16. Review status: reviewed by expert panel. Criteria: ClinGen CoagFactor ACMG Specifications F9 V1.0.0. Collection method: curation. Allele origin: germline. Inheritance: X-linked inheritance.
Comment: The c.582T>G variant (NM_000133.4) is a synonymous (silent) variant (p.Thr194=) that is not predicted by SpliceAI to impact splicing (BP4). The nucleotide is/ is not conserved based on a phyloP 100 vertebrates score of 0.36152 (threshold <0.1) and PhastCons 100 vertebrates score of 0 (threshold <0.5), meeting/ not meeting criteria for BP7. In summary, the variant meets criteria to be classified as likely benign/uncertain significance for hemophilia B. ACMG/AMP criteria applied, as specified by the ClinGen Coagulation Factor Deficiency VCEP for F9: BP4, BP7 (version 1.0.0, released 10/5/2023).

Labcorp Genetics (formerly Invitae), Labcorp
Classification: Benign for Thrombophilia, X-linked, due to factor 9 defect; Hereditary factor IX deficiency disease. Last evaluated: 2025-12-14. Review status: criteria provided, single submitter. Criteria: Invitae Variant Classification Sherloc (09022015). Collection method: clinical testing. Allele origin: germline. Not counted in ClinVar's aggregate classification.

Blueprint Genetics
Classification: Likely benign. Last evaluated: 2024-06-18. Review status: criteria provided, single submitter. Criteria: ACMG Guidelines, 2015. Collection method: clinical testing. Allele origin: germline. Not counted in ClinVar's aggregate classification.

Illumina Laboratory Services, Illumina
Classification: Uncertain significance for Hereditary factor IX deficiency disease. Last evaluated: 2017-04-28. Review status: criteria provided, single submitter. Criteria: ICSL Variant Classification Criteria 13 December 2019. Collection method: clinical testing. Allele origin: germline. Not counted in ClinVar's aggregate classification.

Natera, Inc.
Classification: Likely benign for Hemophilia B. Last evaluated: 2021-08-05. Review status: no assertion criteria provided. Collection method: clinical testing. Allele origin: germline. Not counted in ClinVar's aggregate classification.